The following is an entry in ClinVar:

ClinVar aggregate classification (germline): Uncertain significance. Review status: criteria provided, multiple submitters, no conflicts (2 of 4 stars). 2 submissions from 2 submitters: Uncertain significance (2). Last evaluated 2025-01-09.

Allele frequency attached by ClinVar (database versions not stated): gnomAD exomes below 0.00001.
gnomAD v4.1: 1 of 1,580,998 alleles (0.000063%); highest among the groups gnomAD compares: Admixed American, 0.0018%; no homozygotes.

Submissions (2):

Ambry Genetics
Classification: Uncertain significance. Last evaluated: 2025-01-09. Review status: criteria provided, single submitter. Criteria: Ambry Variant Classification Scheme 2023. Collection method: clinical testing. Allele origin: germline.

Greenwood Genetic Center Diagnostic Laboratories, Greenwood Genetic Center
Classification: Uncertain significance. Last evaluated: 2023-05-10. Review status: criteria provided, single submitter. Criteria: ACMG Guidelines, 2015. Collection method: clinical testing. Allele origin: germline. Affected: yes.
Comment: Gene of Uncertain Significance

NM_001388303.1(HECTD4):c.9647A>C (p.Gln3216Pro)

Gene: HECTD4 (HECT domain E3 ubiquitin protein ligase 4; minus strand). Cytogenetic location: 12q24.13.
Variant type: single nucleotide variant.
Coding change: c.9647A>C on transcript NM_001388303.1 (MANE Select); coding-DNA position 9647, A replaced by C.
Protein change: p.Gln3216Pro; replaces glutamine 3216 with proline.
Molecular consequence: missense variant.
Genome position (GRCh38, 1-based): chr12:112,185,319, T>G on the plus strand (A>C on the coding strand, the complement: HECTD4 is on the minus strand). VCF-style: chr12-112185319-T-G. GRCh37 (hg19) VCF-style: chr12-112623123-T-G.
Other names: c.9677A>C, p.Gln3226Pro (NM_001109662.4); c.9131A>C (NM_001109662.2); short protein forms Q3216P, Q3226P.
Identifiers: ClinVar variation 2572202 (VCV002572202.2), dbSNP rs1162219231, ClinGen allele CA386773181.
Genomic context (GRCh38, chr12:112,185,319, plus strand): 5'-CAGGCGCCGCCTGAGACCCAGTTCTGCGTCTCCTCGTCGTACAGCTTGTGGAGCTCCGAC[T>G]GCAAGGCCATCAGCATGGCCAGGCAGGGGTTCAGCTGGAGGGCGATTGAGGAGGACAGGC-3'
Protein context (NP_001375232.1, residues 3206-3226): NPCLAMLMAL[Gln3216Pro]SELHKLYDEE